The following is an entry in ClinVar:

ClinVar aggregate classification (germline): Uncertain significance (1 of 4 stars; one submission).

Conditions:
Hypertrophic cardiomyopathy. Also called: HYPERTROPHIC MYOCARDIOPATHY. Identifiers: Orphanet 217569, MedGen C0007194, MeSH D002312, MONDO:0005045, HP:0001639.

Submission:

Labcorp Genetics (formerly Invitae), Labcorp
Classification: Uncertain significance for Hypertrophic cardiomyopathy. Last evaluated: 2022-08-09. Review status: criteria provided, single submitter. Criteria: Invitae Variant Classification Sherloc (09022015). Collection method: clinical testing. Allele origin: germline.
Comment: In summary, the available evidence is currently insufficient to determine the role of this variant in disease. Therefore, it has been classified as a Variant of Uncertain Significance. Algorithms developed to predict the effect of missense changes on protein structure and function output the following: SIFT: "Deleterious"; PolyPhen-2: "Benign"; Align-GVGD: "Class C0". The aspartic acid amino acid residue is found in multiple mammalian species, which suggests that this missense change does not adversely affect protein function. ClinVar contains an entry for this variant (Variation ID: 1442015). This variant has not been reported in the literature in individuals affected with TNNI3-related conditions. This variant is not present in population databases (gnomAD no frequency). This sequence change replaces glutamic acid, which is acidic and polar, with aspartic acid, which is acidic and polar, at codon 66 of the TNNI3 protein (p.Glu66Asp).

NM_000363.5(TNNI3):c.198G>C (p.Glu66Asp)

Gene: TNNI3 (troponin I3, cardiac type; minus strand). Cytogenetic location: 19q13.42.
Variant type: single nucleotide variant.
Coding change: c.198G>C on transcript NM_000363.5 (MANE Select); coding-DNA position 198, G replaced by C.
Protein change: p.Glu66Asp; replaces glutamic acid 66 with aspartic acid.
Molecular consequence: missense variant.
Genome position (GRCh38, 1-based): chr19:55,156,285, C>G on the plus strand (G>C on the coding strand, the complement: TNNI3 is on the minus strand). VCF-style: chr19-55156285-C-G. GRCh37 (hg19) VCF-style: chr19-55667653-C-G.
Other names: short protein forms E66D.
Identifiers: ClinVar variation 1442015 (VCV001442015.6), dbSNP rs3729710, ClinGen allele CA407441878.